The following is an entry in ClinVar:

ClinVar aggregate classification (germline): Uncertain significance (1 of 4 stars; one submission).

Allele frequency attached by ClinVar (database versions not stated): TOPMed 0.00001.
gnomAD v4.1: 1 of 1,604,914 alleles (0.000062%); highest among the groups gnomAD compares: African/African-American, 0.0013%; no homozygotes.

Submission:

Labcorp Genetics (formerly Invitae), Labcorp
Classification: Uncertain significance. Last evaluated: 2022-05-05. Review status: criteria provided, single submitter. Criteria: Invitae Variant Classification Sherloc (09022015). Collection method: clinical testing. Allele origin: germline.
Comment: This sequence change replaces glycine, which is neutral and non-polar, with glutamic acid, which is acidic and polar, at codon 328 of the NDUFS1 protein (p.Gly328Glu). This variant is not present in population databases (gnomAD no frequency). This variant has not been reported in the literature in individuals affected with NDUFS1-related conditions. Algorithms developed to predict the effect of missense changes on protein structure and function are either unavailable or do not agree on the potential impact of this missense change (SIFT: "Deleterious"; PolyPhen-2: "Benign"; Align-GVGD: "Class C0"). In summary, the available evidence is currently insufficient to determine the role of this variant in disease. Therefore, it has been classified as a Variant of Uncertain Significance.

NM_005006.7(NDUFS1):c.983G>A (p.Gly328Glu)

Gene: NDUFS1 (NADH:ubiquinone oxidoreductase core subunit S1; minus strand). Cytogenetic location: 2q33.3.
Variant type: single nucleotide variant.
Coding change: c.983G>A on transcript NM_005006.7 (MANE Select); coding-DNA position 983, G replaced by A.
Protein change: p.Gly328Glu; replaces glycine 328 with glutamic acid.
Molecular consequence: missense variant.
Genome position (GRCh38, 1-based): chr2:206,144,022, C>T on the plus strand (G>A on the coding strand, the complement: NDUFS1 is on the minus strand). VCF-style: chr2-206144022-C-T. GRCh37 (hg19) VCF-style: chr2-207008746-C-T.
Other names: c.875G>A, p.Gly292Glu (NM_001199981.2); c.650G>A, p.Gly217Glu (NM_001199982.2); c.812G>A, p.Gly271Glu (NM_001199983.2); c.1025G>A, p.Gly342Glu (NM_001199984.2); short protein forms G217E, G328E, G271E, G292E, G342E.
Identifiers: ClinVar variation 1939017 (VCV001939017.5), dbSNP rs947705460, ClinGen allele CA63664367.